The following is an entry in ClinVar:

NM_018419.3(SOX18):c.334A>G (p.Asn112Asp)

Gene: SOX18 (SRY-box transcription factor 18; minus strand). Cytogenetic location: 20q13.33.
Variant type: single nucleotide variant.
Coding change: c.334A>G on transcript NM_018419.3 (MANE Select); coding-DNA position 334, A replaced by G.
Protein change: p.Asn112Asp; replaces asparagine 112 with aspartic acid.
Molecular consequence: missense variant.
Genome position (GRCh38, 1-based): chr20:64,049,183, T>C on the plus strand (A>G on the coding strand, the complement: SOX18 is on the minus strand). VCF-style: chr20-64049183-T-C. GRCh37 (hg19) VCF-style: chr20-62680536-T-C.
Other names: short protein forms N112D.
Identifiers: ClinVar variation 3688464 (VCV003688464.2).

ClinVar aggregate classification (germline): Uncertain significance (1 of 4 stars; one submission).

Submission:

Labcorp Genetics (formerly Invitae), Labcorp
Classification: Uncertain significance. Last evaluated: 2024-11-19. Review status: criteria provided, single submitter. Criteria: Invitae Variant Classification Sherloc (09022015). Collection method: clinical testing. Allele origin: germline.
Comment: This sequence change replaces asparagine, which is neutral and polar, with aspartic acid, which is acidic and polar, at codon 112 of the SOX18 protein (p.Asn112Asp). This variant is not present in population databases (gnomAD no frequency). This variant has not been reported in the literature in individuals affected with SOX18-related conditions. Invitae Evidence Modeling of protein sequence and biophysical properties (such as structural, functional, and spatial information, amino acid conservation, physicochemical variation, residue mobility, and thermodynamic stability) indicates that this missense variant is expected to disrupt SOX18 protein function with a positive predictive value of 80%. In summary, the available evidence is currently insufficient to determine the role of this variant in disease. Therefore, it has been classified as a Variant of Uncertain Significance.